The following is an entry in ClinVar:

ClinVar aggregate classification (germline): Conflicting classifications of pathogenicity. Review status: criteria provided, conflicting classifications (1 of 4 stars). 4 submissions from 4 submitters: Uncertain significance (3); Likely benign (1). Last evaluated 2024-03-22.

Conditions:
Hereditary cancer-predisposing syndrome. Also called: Neoplastic Syndromes, Hereditary; Tumor predisposition; Hereditary Cancer Syndrome; Hereditary neoplastic syndrome. Identifiers: Orphanet 140162, MedGen C0027672, MeSH D009386, MONDO:0015356.
Familial adenomatous polyposis 1 (FAP1). Also called: FAMILIAL ADENOMATOUS POLYPOSIS 1, ATTENUATED; POLYPOSIS, ADENOMATOUS INTESTINAL. Identifiers: MedGen C2713442, MONDO:0021056, OMIM 175100. Disease mechanism: loss of function.

Submissions (4):

Ambry Genetics
Classification: Likely benign for Hereditary cancer-predisposing syndrome. Last evaluated: 2024-03-22. Review status: criteria provided, single submitter. Criteria: Ambry Variant Classification Scheme 2023. Collection method: clinical testing. Allele origin: germline.

Labcorp Genetics (formerly Invitae), Labcorp
Classification: Uncertain significance for Familial adenomatous polyposis 1. Last evaluated: 2024-02-22. Review status: criteria provided, single submitter. Criteria: Invitae Variant Classification Sherloc (09022015). Collection method: clinical testing. Allele origin: germline.
Comment: This sequence change replaces alanine, which is neutral and non-polar, with valine, which is neutral and non-polar, at codon 1446 of the APC protein (p.Ala1446Val). This variant is not present in population databases (gnomAD no frequency). This variant has not been reported in the literature in individuals affected with APC-related conditions. ClinVar contains an entry for this variant (Variation ID: 924066). Advanced modeling of protein sequence and biophysical properties (such as structural, functional, and spatial information, amino acid conservation, physicochemical variation, residue mobility, and thermodynamic stability) performed at Invitae indicates that this missense variant is not expected to disrupt APC protein function with a negative predictive value of 95%. In summary, the available evidence is currently insufficient to determine the role of this variant in disease. Therefore, it has been classified as a Variant of Uncertain Significance.

Quest Diagnostics Nichols Institute San Juan Capistrano
Classification: Uncertain significance. Last evaluated: 2021-05-29. Review status: criteria provided, single submitter. Criteria: Quest Diagnostics criteria. Collection method: clinical testing. Allele origin: unknown.

Color Diagnostics, LLC DBA Color Health
Classification: Uncertain significance for Hereditary cancer-predisposing syndrome. Last evaluated: 2019-12-17. Review status: criteria provided, single submitter. Criteria: ACMG Guidelines, 2015. Collection method: clinical testing. Allele origin: germline.
Comment: This missense variant replaces alanine with valine at codon 1446 of the APC protein. Computational prediction tool suggests that this variant may not impact protein structure and function (internally defined REVEL score threshold ≤0.5, PMID: 27666373). Splice site prediction tools suggest that this variant may not impact RNA splicing. To our knowledge, functional studies have not been performed for this variant. This variant has not been reported in individuals affected with hereditary cancer in the literature. This variant has not been identified in the general population by the Genome Aggregation Database (gnomAD). The available evidence is insufficient to determine the role of this variant in disease conclusively. Therefore, this variant is classified as a Variant of Uncertain Significance.

NM_000038.6(APC):c.4337C>T (p.Ala1446Val)

Gene: APC (APC regulator of Wnt signaling pathway; plus strand). Cytogenetic location: 5q22.2.
Variant type: single nucleotide variant.
Coding change: c.4337C>T on transcript NM_000038.6 (MANE Select); coding-DNA position 4337, C replaced by T.
Protein change: p.Ala1446Val; replaces alanine 1446 with valine.
Molecular consequence: missense variant.
Genome position (GRCh38, 1-based): chr5:112,839,931, C>T. VCF-style: chr5-112839931-C-T. GRCh37 (hg19) VCF-style: chr5-112175628-C-T.
Other names: c.4337C>T, p.Ala1446Val (NM_001127510.3, NM_001354895.2); c.4283C>T, p.Ala1428Val (NM_001127511.3); c.4391C>T, p.Ala1464Val (NM_001354896.2); c.4367C>T, p.Ala1456Val (NM_001354897.2); c.4262C>T, p.Ala1421Val (NM_001354898.2); c.4253C>T, p.Ala1418Val (NM_001354899.2); c.4214C>T, p.Ala1405Val (NM_001354900.2); c.4160C>T, p.Ala1387Val (NM_001354901.2); and 5 more; short protein forms A1163V, A1320V, A1345V, A1387V, A1418V, A1428V, A1446V, A1456V.
Identifiers: ClinVar variation 924066 (VCV000924066.15), dbSNP rs1765655722, ClinGen allele CA16030834.